The following is an entry in ClinVar:

NM_144997.7(FLCN):c.33C>T (p.Cys11=)

Gene: FLCN (folliculin; minus strand). Cytogenetic location: 17p11.2.
Variant type: single nucleotide variant.
Coding change: c.33C>T on transcript NM_144997.7 (MANE Select); coding-DNA position 33, C replaced by T.
Protein change: p.Cys11=; no amino-acid change (cysteine 11 retained).
Molecular consequence: synonymous variant.
Genome position (GRCh38, 1-based): chr17:17,228,105, G>A on the plus strand (C>T on the coding strand, the complement: FLCN is on the minus strand). VCF-style: chr17-17228105-G-A. GRCh37 (hg19) VCF-style: chr17-17131419-G-A.
Other names: c.33C>T (LRG_325t1); c.33C>T, p.Cys11= (NM_001353229.2, NM_001353230.2, NM_001353231.2 and 1 more transcripts).
Identifiers: ClinVar variation 485601 (VCV000485601.13), dbSNP rs754616167, ClinGen allele CA8416538.
Genomic context (GRCh38, chr17:17,228,105, plus strand): 5'-TTGAGGAAGTGGGGCGTGCAGCACCTCCGTGCAGAAGAGAGTGCGGGGGCCGTGGAGCTC[G>A]CAGAAGTGGCAGAGAGCCACGATGGCATTCATGGTGCCTTGGAGACTGCAACAGGCCTGC-3'
Protein context (NP_659434.2, residues 1-21): MNAIVALCHF[Cys11=]ELHGPRTLFC

ClinVar aggregate classification (germline): Benign/Likely benign. Review status: criteria provided, multiple submitters, no conflicts (2 of 4 stars). 3 submissions from 3 submitters: Benign (1); Likely benign (2). Last evaluated 2025-10-28.

Conditions:
Birt-Hogg-Dube syndrome. Also called: Birt Hogg Dubé syndrome. Identifiers: Orphanet 122, MedGen C0346010, MONDO:0800444.
Birt-Hogg-Dube syndrome 1 (BHD1). Also called: FIBROFOLLICULOMAS WITH TRICHODISCOMAS AND ACROCHORDONS. Identifiers: Orphanet 122, MedGen CN375946, MONDO:0800445, OMIM 135150.
Hereditary cancer-predisposing syndrome. Also called: Hereditary neoplastic syndrome; Neoplastic Syndromes, Hereditary; Tumor predisposition; Hereditary Cancer Syndrome. Identifiers: Orphanet 140162, MedGen C0027672, MeSH D009386, MONDO:0015356.

Allele frequency attached by ClinVar (database versions not stated): gnomAD 0.00001; gnomAD exomes 0.00001; TOPMed 0.00001; ExAC 0.00002.

Submissions (3):

Labcorp Genetics (formerly Invitae), Labcorp
Classification: Likely benign for Birt-Hogg-Dube syndrome. Last evaluated: 2025-10-28. Review status: criteria provided, single submitter. Criteria: Invitae Variant Classification Sherloc (09022015). Collection method: clinical testing. Allele origin: germline.

Myriad Genetics, Inc.
Classification: Benign for Birt-Hogg-Dube syndrome 1. Last evaluated: 2024-10-22. Review status: criteria provided, single submitter. Criteria: Myriad Autosomal Dominant, Autosomal Recessive and X-Linked Classification Criteria (2023). Collection method: clinical testing. Allele origin: unknown.
Comment: This variant is considered benign. This variant is a silent/synonymous amino acid change and it is not expected to impact splicing.

Ambry Genetics
Classification: Likely benign for Hereditary cancer-predisposing syndrome. Last evaluated: 2015-10-13. Review status: criteria provided, single submitter. Criteria: Ambry Variant Classification Scheme 2023. Collection method: clinical testing. Allele origin: germline.